The following is an entry in ClinVar:

NM_014727.3(KMT2B):c.7937A>G (p.Asn2646Ser)

Gene: KMT2B (lysine methyltransferase 2B; plus strand). Cytogenetic location: 19q13.12.
Variant type: single nucleotide variant.
Coding change: c.7937A>G on transcript NM_014727.3 (MANE Select); coding-DNA position 7937, A replaced by G.
Protein change: p.Asn2646Ser; replaces asparagine 2646 with serine.
Molecular consequence: missense variant.
Genome position (GRCh38, 1-based): chr19:35,738,346, A>G. VCF-style: chr19-35738346-A-G. GRCh37 (hg19) VCF-style: chr19-36229247-A-G.
Other names: c.7937A>G (NM_014727.2); short protein forms N2646S.
Identifiers: ClinVar variation 3116005 (VCV003116005.2), dbSNP rs2513370294, ClinGen allele CA405440152.

ClinVar aggregate classification (germline): Uncertain significance. Review status: criteria provided, multiple submitters, no conflicts (2 of 4 stars). 2 submissions from 2 submitters: Uncertain significance (2). Last evaluated 2024-11-13.

Conditions:
Inborn genetic diseases. Identifiers: MedGen C0950123, MeSH D030342.

Allele frequency attached by ClinVar (database versions not stated): gnomAD exomes below 0.00001.
gnomAD v4.1: 4 of 1,613,904 alleles (0.00025%); highest among the groups gnomAD compares: Non-Finnish European, 0.00034%; no homozygotes.

Submissions (2):

GeneDx
Classification: Uncertain significance. Last evaluated: 2024-11-13. Review status: criteria provided, single submitter. Criteria: GeneDx Variant Classification Process June 2021. Collection method: clinical testing. Allele origin: germline. Affected: yes.
Comment: Not observed at significant frequency in large population cohorts (gnomAD); In silico analysis supports that this missense variant has a deleterious effect on protein structure/function; Has not been previously published as pathogenic or benign to our knowledge

Ambry Genetics
Classification: Uncertain significance for Inborn genetic diseases. Last evaluated: 2024-02-12. Review status: criteria provided, single submitter. Criteria: Ambry Variant Classification Scheme 2023. Collection method: clinical testing. Allele origin: germline.